The following is an entry in ClinVar:

NM_005751.5(AKAP9):c.11201A>T (p.Asp3734Val)

Gene: AKAP9 (A-kinase anchoring protein 9; plus strand). Cytogenetic location: 7q21.2.
Variant type: single nucleotide variant.
Coding change: c.11201A>T on transcript NM_005751.5 (MANE Select); coding-DNA position 11201, A replaced by T.
Protein change: p.Asp3734Val; replaces aspartic acid 3734 with valine.
Molecular consequence: missense variant.
Genome position (GRCh38, 1-based): chr7:92,102,697, A>T. VCF-style: chr7-92102697-A-T. GRCh37 (hg19) VCF-style: chr7-91732011-A-T.
Other names: c.5846A>T, p.Asp1949Val (NM_001379277.1); c.11177A>T, p.Asp3726Val (NM_147185.3); short protein forms D3734V, D3726V, D1949V.
Identifiers: ClinVar variation 526940 (VCV000526940.10), dbSNP rs760860769, ClinGen allele CA4338107.
Genomic context (GRCh38, chr7:92,102,697, plus strand): 5'-CTCTCATTTACCAGAAGAAATACCTGCTGCTGTTACTGGGTGGGTTCCAGGAATGTGAAG[A>T]TGCCACCTTGGCCCTGCTTGCCCGGATGGGGGGGCAGCCAGCTTTCACGGATCTAGAGGT-3'
Protein context (NP_005742.4, residues 3724-3744): LLLGGFQECE[Asp3734Val]ATLALLARMG

ClinVar aggregate classification (germline): Uncertain significance. Review status: criteria provided, multiple submitters, no conflicts (2 of 4 stars). 2 submissions from 2 submitters: Uncertain significance (2). Last evaluated 2025-10-14.

Conditions:
Cardiovascular phenotype. Identifiers: MedGen CN230736.
Long QT syndrome (LQTS). Identifiers: MedGen C0023976, MeSH D008133, MONDO:0002442. Disease mechanism: loss of function. Inheritance: Various modes of inheritance.

Allele frequency attached by ClinVar (database versions not stated): ExAC 0.00001; gnomAD 0.00001; gnomAD exomes 0.00001; TOPMed 0.00002.

Submissions (2):

Ambry Genetics
Classification: Uncertain significance for Cardiovascular phenotype. Last evaluated: 2025-10-14. Review status: criteria provided, single submitter. Criteria: Ambry Variant Classification Scheme 2023. Collection method: clinical testing. Allele origin: germline.
Comment: The p.D3734V variant (also known as c.11201A>T), located in coding exon 46 of the AKAP9 gene, results from an A to T substitution at nucleotide position 11201. The aspartic acid at codon 3734 is replaced by valine, an amino acid with highly dissimilar properties. This amino acid position is conserved. In addition, this alteration is predicted to be tolerated by in silico analysis. Since supporting evidence is limited at this time, the clinical significance of this alteration remains unclear.

Labcorp Genetics (formerly Invitae), Labcorp
Classification: Uncertain significance for Long QT syndrome. Last evaluated: 2022-03-19. Review status: criteria provided, single submitter. Criteria: Invitae Variant Classification Sherloc (09022015). Collection method: clinical testing. Allele origin: germline.
Comment: In summary, the available evidence is currently insufficient to determine the role of this variant in disease. Therefore, it has been classified as a Variant of Uncertain Significance. Algorithms developed to predict the effect of missense changes on protein structure and function are either unavailable or do not agree on the potential impact of this missense change (SIFT: "Deleterious"; PolyPhen-2: "Probably Damaging"; Align-GVGD: "Class C0"). ClinVar contains an entry for this variant (Variation ID: 526940). This variant has not been reported in the literature in individuals affected with AKAP9-related conditions. This variant is present in population databases (rs760860769, gnomAD 0.003%). This sequence change replaces aspartic acid, which is acidic and polar, with valine, which is neutral and non-polar, at codon 3734 of the AKAP9 protein (p.Asp3734Val).